The following is an entry in ClinVar:

NC_000006.11:g.(?_12290863)_(13612097_?)dup

Genes: EDN1 (endothelin 1; plus strand), SIRT5 (sirtuin 5; plus strand), TBC1D7 (TBC1 domain family member 7; minus strand), PHACTR1 (phosphatase and actin regulator 1; plus strand), GFOD1 (Gfo/Idh/MocA-like oxidoreductase domain containing 1; minus strand). Cytogenetic location: 6p24.1-23.
Variant type: Duplication.
Identifiers: ClinVar variation 1511468 (VCV001511468.1).

ClinVar aggregate classification (germline): Uncertain significance (1 of 4 stars; one submission).

Submission:

Labcorp Genetics (formerly Invitae), Labcorp
Classification: Uncertain significance. Last evaluated: 2021-06-04. Review status: criteria provided, single submitter. Criteria: Invitae Variant Classification Sherloc (09022015). Collection method: clinical testing. Allele origin: germline.
Comment: A copy number gain of the genomic region encompassing the full coding sequence of the TBC1D7 gene has been identified. The boundaries of this event are unknown as they extend beyond the assayed region for this gene and therefore may encompass additional genes. As the precise location of this event is unknown, it may be in tandem or it may be located elsewhere in the genome. This variant has not been reported in the literature in individuals with TBC1D7-related conditions. Experimental studies and prediction algorithms are not available or were not evaluated, and the functional significance of this variant is currently unknown. In summary, the available evidence is currently insufficient to determine the role of this variant in disease. Therefore, it has been classified as a Variant of Uncertain Significance.